The following is an entry in ClinVar:

NM_001379291.1(BRD4):c.3576+4G>A

Gene: BRD4 (bromodomain containing 4; minus strand). Cytogenetic location: 19p13.12.
Variant type: single nucleotide variant.
Coding change: c.3576+4G>A on transcript NM_001379291.1 (MANE Select); 4 bases into the intron after coding-DNA position 3576, G replaced by A.
Molecular consequence: intron variant.
Genome position (GRCh38, 1-based): chr19:15,239,388, C>T on the plus strand (G>A on the coding strand, the complement: BRD4 is on the minus strand). VCF-style: chr19-15239388-C-T. GRCh37 (hg19) VCF-style: chr19-15350199-C-T.
Other names: c.3576+4G>A (NM_058243.3).
Identifiers: ClinVar variation 4536000 (VCV004536000.1).

ClinVar aggregate classification (germline): Uncertain significance (1 of 4 stars; one submission).

Submission:

Women's Health and Genetics/Laboratory Corporation of America, LabCorp
Classification: Uncertain significance. Last evaluated: 2025-09-24. Review status: criteria provided, single submitter. Criteria: LabCorp Variant Classification Summary - May 2015. Collection method: clinical testing. Allele origin: germline.
Comment: Variant summary: BRD4 c.3576+4G>A alters a nucleotide located close to a canonical splice site and therefore could affect mRNA splicing, leading to a significantly altered protein sequence. Consensus agreement among computation tools predict no significant impact on normal splicing. However, these predictions have yet to be confirmed by functional studies. The variant was absent in 251366 control chromosomes. The available data on variant occurrences in the general population are insufficient to allow any conclusion about variant significance. To our knowledge, no occurrence of c.3576+4G>A in individuals affected with BRD4-related conditions and no experimental evidence demonstrating its impact on protein function have been reported. No submitters have cited clinical-significance assessments for this variant to ClinVar. Based on the evidence outlined above, the variant was classified as uncertain significance.